The following is an entry in ClinVar:

ClinVar aggregate classification (germline): Uncertain significance (1 of 4 stars; one submission).

Submission:

GeneDx
Classification: Uncertain significance. Last evaluated: 2025-04-23. Review status: criteria provided, single submitter. Criteria: GeneDx Variant Classification Process June 2021. Collection method: clinical testing. Allele origin: germline. Affected: yes.
Comment: Not observed at significant frequency in large population cohorts (gnomAD); In silico analysis supports that this missense variant has a deleterious effect on protein structure/function; Has not been previously published as pathogenic or benign to our knowledge

NM_003359.4(UGDH):c.1327C>T (p.Arg443Cys)

Gene: UGDH (UDP-glucose 6-dehydrogenase; minus strand). Cytogenetic location: 4p14.
Variant type: single nucleotide variant.
Coding change: c.1327C>T on transcript NM_003359.4 (MANE Select); coding-DNA position 1327, C replaced by T.
Protein change: p.Arg443Cys; replaces arginine 443 with cysteine.
Molecular consequence: missense variant.
Genome position (GRCh38, 1-based): chr4:39,503,922, G>A on the plus strand (C>T on the coding strand, the complement: UGDH is on the minus strand). VCF-style: chr4-39503922-G-A. GRCh37 (hg19) VCF-style: chr4-39505542-G-A.
Other names: c.1126C>T, p.Arg376Cys (NM_001184700.2); c.1036C>T, p.Arg346Cys (NM_001184701.2); short protein forms R346C, R376C, R443C.
Identifiers: ClinVar variation 4526929 (VCV004526929.1).